The following is an entry in ClinVar:

NM_194454.3(KRIT1):c.1696T>C (p.Tyr566His)

Gene: KRIT1 (KRIT1 ankyrin repeat containing; minus strand). Cytogenetic location: 7q21.2.
Variant type: single nucleotide variant.
Coding change: c.1696T>C on transcript NM_194454.3 (MANE Select); coding-DNA position 1696, T replaced by C.
Protein change: p.Tyr566His; replaces tyrosine 566 with histidine.
Molecular consequence: missense variant.
Genome position (GRCh38, 1-based): chr7:92,214,645, A>G on the plus strand (T>C on the coding strand, the complement: KRIT1 is on the minus strand). VCF-style: chr7-92214645-A-G. GRCh37 (hg19) VCF-style: chr7-91843959-A-G.
Other names: c.1552T>C, p.Tyr518His (NM_001013406.2, NM_001350669.1, NM_001350670.1); c.982T>C, p.Tyr328His (NM_001350671.1); c.1696T>C, p.Tyr566His (NM_001350672.1, NM_001350673.1, NM_001350674.1 and 26 more transcripts); short protein forms Y518H, Y566H, Y328H.
Identifiers: ClinVar variation 3730622 (VCV003730622.2).

ClinVar aggregate classification (germline): Uncertain significance (1 of 4 stars; one submission).

Conditions:
Cerebral cavernous malformation (CCM). Also called: Cerebral cavernous malformations; CAVERNOUS ANGIOMA, FAMILIAL; CAVERNOUS ANGIOMATOUS MALFORMATIONS; CEREBRAL CAPILLARY MALFORMATIONS; Cerebral cavernous hemangioma (type); Cavernous Hemangioma of Brain. Identifiers: Orphanet 221061, MedGen C2919945, MONDO:0000820, OMIM 116860, HP:0033522.

Submission:

Labcorp Genetics (formerly Invitae), Labcorp
Classification: Uncertain significance for Cerebral cavernous malformation. Last evaluated: 2024-10-16. Review status: criteria provided, single submitter. Criteria: Invitae Variant Classification Sherloc (09022015). Collection method: clinical testing. Allele origin: germline.
Comment: This sequence change replaces tyrosine, which is neutral and polar, with histidine, which is basic and polar, at codon 566 of the KRIT1 protein (p.Tyr566His). This variant is not present in population databases (gnomAD no frequency). This variant has not been reported in the literature in individuals affected with KRIT1-related conditions. Invitae Evidence Modeling of protein sequence and biophysical properties (such as structural, functional, and spatial information, amino acid conservation, physicochemical variation, residue mobility, and thermodynamic stability) indicates that this missense variant is not expected to disrupt KRIT1 protein function with a negative predictive value of 80%. In summary, the available evidence is currently insufficient to determine the role of this variant in disease. Therefore, it has been classified as a Variant of Uncertain Significance.